The following is an entry in ClinVar:

NM_005589.4(ALDH6A1):c.509A>G (p.Tyr170Cys)

Genes: ALDH6A1 (aldehyde dehydrogenase 6 family member A1; minus strand), BBOF1 (basal body orientation factor 1; plus strand). Cytogenetic location: 14q24.3.
Variant type: single nucleotide variant.
Coding change: c.509A>G on transcript NM_005589.4 (MANE Select); coding-DNA position 509, A replaced by G.
Protein change: p.Tyr170Cys; replaces tyrosine 170 with cysteine.
Molecular consequence: missense variant.
Genome position (GRCh38, 1-based): chr14:74,071,416, T>C on the plus strand (A>G on the coding strand, the complement: ALDH6A1 is on the minus strand). VCF-style: chr14-74071416-T-C. GRCh37 (hg19) VCF-style: chr14-74538119-T-C.
Other names: c.470A>G, p.Tyr157Cys (NM_001278593.2); c.47A>G, p.Tyr16Cys (NM_001278594.2); short protein forms Y157C, Y170C, Y16C.
Identifiers: ClinVar variation 1948783 (VCV001948783.5), dbSNP rs770828168, ClinGen allele CA7265830.

ClinVar aggregate classification (germline): Uncertain significance (1 of 4 stars; one submission).

Allele frequency attached by ClinVar (database versions not stated): gnomAD 0.00001; ExAC 0.00003.
gnomAD v4.1: 13 of 1,614,146 alleles (0.00081%); highest among the groups gnomAD compares: South Asian, 0.012%; no homozygotes.

Submission:

Labcorp Genetics (formerly Invitae), Labcorp
Classification: Uncertain significance. Last evaluated: 2022-02-06. Review status: criteria provided, single submitter. Criteria: Invitae Variant Classification Sherloc (09022015). Collection method: clinical testing. Allele origin: germline.
Comment: In summary, the available evidence is currently insufficient to determine the role of this variant in disease. Therefore, it has been classified as a Variant of Uncertain Significance. This sequence change replaces tyrosine, which is neutral and polar, with cysteine, which is neutral and slightly polar, at codon 170 of the ALDH6A1 protein (p.Tyr170Cys). This variant is present in population databases (rs770828168, gnomAD 0.01%). This variant has not been reported in the literature in individuals affected with ALDH6A1-related conditions. Advanced modeling of protein sequence and biophysical properties (such as structural, functional, and spatial information, amino acid conservation, physicochemical variation, residue mobility, and thermodynamic stability) performed at Invitae indicates that this missense variant is not expected to disrupt ALDH6A1 protein function.